The following is an entry in ClinVar:

ClinVar aggregate classification (germline): Likely pathogenic (1 of 4 stars; one submission).

Conditions:
Leukodystrophy, hypomyelinating, 2. Also called: PELIZAEUS-MERZBACHER-LIKE DISEASE, 1. Identifiers: Orphanet 280270, Orphanet 280282, MedGen C1837355, MONDO:0012125, OMIM 608804.

Submission:

Molecular Diagnostics Lab, Nemours Children's Health, Delaware
Classification: Likely pathogenic for Leukodystrophy, hypomyelinating, 2. Last evaluated: 2021-06-30. Review status: criteria provided, single submitter. Criteria: ACMG Guidelines, 2015. Collection method: clinical testing. Allele origin: unknown. Inheritance: Autosomal recessive inheritance. Affected: yes. Observed: 1 homozygote.
Comment: This variant (c.979_983dup) predicts a framsehift that abolishes the normal stop codon and results in a protein with 31 additional amino acids. It has not been observed in population databases (gnomAD) and has not been reported in the literature.

NM_020435.4(GJC2):c.979_983dup (p.Cys329fs)

Gene: GJC2 (gap junction protein gamma 2; plus strand). Cytogenetic location: 1q42.13.
Variant type: Duplication.
Coding change: c.979_983dup on transcript NM_020435.4 (MANE Select); coding-DNA positions 979 to 983, 5 bases duplicated (TTGGC; older notation c.979_983dupTTGGC).
Protein change: p.Cys329fs; shifts the reading frame from cysteine 329.
Molecular consequence: frameshift variant.
Genome position (GRCh38, 1-based): chr1:228,158,737-228,158,741, TTGGC duplicated; duplicating any 5 consecutive bases within chr1:228,158,733-228,158,741 gives the same sequence; the c. name uses the placement nearest the transcript's 3' end. VCF-style (leftmost placement, unchanged base first): chr1-228158732-C-CTGGCT. GRCh37 (hg19) VCF-style: chr1-228346433-C-CTGGCT.
Other names: short protein forms C329fs.
Identifiers: ClinVar variation 3336786 (VCV003336786.2).